The following is an entry in ClinVar:

ClinVar aggregate classification (germline): Uncertain significance (1 of 4 stars; one submission).

Allele frequency attached by ClinVar (database versions not stated): ExAC 0.00001; gnomAD 0.00001.
gnomAD v4.1: 1 of 1,613,658 alleles (0.000062%); highest among the groups gnomAD compares: Admixed American, 0.0017%; no homozygotes.

Submission:

Labcorp Genetics (formerly Invitae), Labcorp
Classification: Uncertain significance. Last evaluated: 2022-04-19. Review status: criteria provided, single submitter. Criteria: Invitae Variant Classification Sherloc (09022015). Collection method: clinical testing. Allele origin: germline.
Comment: This sequence change replaces glycine, which is neutral and non-polar, with alanine, which is neutral and non-polar, at codon 542 of the PCDH15 protein (p.Gly542Ala). The frequency data for this variant in the population databases is considered unreliable, as metrics indicate poor data quality at this position in the gnomAD database. This variant has not been reported in the literature in individuals affected with PCDH15-related conditions. Algorithms developed to predict the effect of missense changes on protein structure and function are either unavailable or do not agree on the potential impact of this missense change (SIFT: "Deleterious"; PolyPhen-2: "Probably Damaging"; Align-GVGD: "Class C0"). In summary, the available evidence is currently insufficient to determine the role of this variant in disease. Therefore, it has been classified as a Variant of Uncertain Significance.

NM_001384140.1(PCDH15):c.1625G>C (p.Gly542Ala)

Gene: PCDH15 (protocadherin related 15; minus strand). Cytogenetic location: 10q21.1.
Variant type: single nucleotide variant.
Coding change: c.1625G>C on transcript NM_001384140.1 (MANE Select); coding-DNA position 1625, G replaced by C.
Protein change: p.Gly542Ala; replaces glycine 542 with alanine.
Molecular consequence: missense variant.
Genome position (GRCh38, 1-based): chr10:54,153,259, C>G on the plus strand (G>C on the coding strand, the complement: PCDH15 is on the minus strand). VCF-style: chr10-54153259-C-G. GRCh37 (hg19) VCF-style: chr10-55913019-C-G.
Other names: c.1640G>C, p.Gly547Ala (NM_001142763.2, NM_001142771.2); c.1625G>C, p.Gly542Ala (NM_001142764.2, NM_001142765.2, NM_001142766.2 and 6 more transcripts); c.1514G>C, p.Gly505Ala (NM_001142767.2); c.1559G>C, p.Gly520Ala (NM_001142768.2, NM_001142773.2, NM_001354404.2); c.1661G>C, p.Gly554Ala (NM_001142769.4); c.1646G>C, p.Gly549Ala (NM_001354411.2); short protein forms G520A, G549A, G554A, G547A, G505A, G542A.
Identifiers: ClinVar variation 1974323 (VCV001974323.5), dbSNP rs781672557, ClinGen allele CA5506308.
Genomic context (GRCh38, chr10:54,153,259, plus strand): 5'-GTTGTTTTATTGATGATGAAGTCTCCCTGAGCCCCAACAAGGATTTCATATGTGATCTCC[C>G]CATTTGACCCTTCGTCTGCGTCGACTGCAGTGAGCTGGAATTGAAAATCACAACATAAAT-3'
Protein context (NP_001371069.1, residues 532-552): TAVDADEGSN[Gly542Ala]EITYEILVGA